The following is an entry in ClinVar:

NM_021038.5(MBNL1):c.876C>T (p.Thr292=)

Gene: MBNL1 (muscleblind like splicing regulator 1; plus strand). Cytogenetic location: 3q25.2.
Variant type: single nucleotide variant.
Coding change: c.876C>T on transcript NM_021038.5 (MANE Select); coding-DNA position 876, C replaced by T.
Protein change: p.Thr292=; no amino-acid change (threonine 292 retained).
Molecular consequence: synonymous variant. On other transcripts: non-coding transcript variant (12), intron variant (14).
Genome position (GRCh38, 1-based): chr3:152,447,688, C>T. VCF-style: chr3-152447688-C-T. GRCh37 (hg19) VCF-style: chr3-152165477-C-T.
Other names: c.759C>T, p.Thr253= (NM_001314057.2); c.930C>T, p.Thr310= (NM_001363870.1, NM_001376820.1, NM_001376821.1 and 9 more transcripts); c.1023C>T, p.Thr341= (NM_001376818.1, NM_001376819.1); c.876C>T, p.Thr292= (NM_001376826.1, NM_001376827.1, NM_001376828.1 and 12 more transcripts); c.708C>T, p.Thr236= (NM_001376837.1, NM_001387797.1, NM_001387798.1 and 2 more transcripts); c.726C>T, p.Thr242= (NM_001376838.1, NM_001387794.1, NM_001387795.1); c.654C>T, p.Thr218= (NM_001376839.1, NM_001387804.1, NM_001387805.1 and 5 more transcripts); c.600C>T, p.Thr200= (NM_001376840.1, NM_001376841.1, NM_001376842.1 and 16 more transcripts); and 14 more.
Identifiers: ClinVar variation 3040311 (VCV003040311.2), dbSNP rs34089501, ClinGen allele CA2672145.

ClinVar aggregate classification (germline): Likely benign (0 of 4 stars; one submission).

Conditions:
MBNL1-related disorder. Also called: MBNL1-related condition.

Allele frequency attached by ClinVar (database versions not stated): ExAC 0.00013; gnomAD exomes 0.00023; TOPMed 0.00023; ESP Exome Variant Server 0.00038.
gnomAD v4.1: 359 of 1,613,618 alleles (0.022%); highest among the groups gnomAD compares: Non-Finnish European, 0.027%; no homozygotes.

Submission:

PreventionGenetics, part of Exact Sciences
Classification: Likely benign for MBNL1-related condition. Last evaluated: 2019-09-17. Review status: no assertion criteria provided. Collection method: clinical testing. Allele origin: germline.
Comment: This variant is classified as likely benign based on ACMG/AMP sequence variant interpretation guidelines (Richards et al. 2015 PMID: 25741868, with internal and published modifications).